The following is an entry in ClinVar:

NM_001457.4(FLNB):c.6103A>G (p.Ile2035Val)

Gene: FLNB (filamin B; plus strand). Cytogenetic location: 3p14.3.
Variant type: single nucleotide variant.
Coding change: c.6103A>G on transcript NM_001457.4 (MANE Select); coding-DNA position 6103, A replaced by G.
Protein change: p.Ile2035Val; replaces isoleucine 2035 with valine.
Molecular consequence: missense variant.
Genome position (GRCh38, 1-based): chr3:58,149,861, A>G. VCF-style: chr3-58149861-A-G. GRCh37 (hg19) VCF-style: chr3-58135588-A-G.
Other names: c.6196A>G, p.Ile2066Val (NM_001164317.2); c.6070A>G, p.Ile2024Val (NM_001164318.2); c.6031A>G, p.Ile2011Val (NM_001164319.2); short protein forms I2024V, I2066V, I2011V, I2035V.
Identifiers: ClinVar variation 4996643 (VCV004996643.1).

ClinVar aggregate classification (germline): Uncertain significance (1 of 4 stars; one submission).

Conditions:
FLNB-related disorder. Also called: FLNB-related disorders; FLNB-related condition. Identifiers: MedGen CN381095.

Submission:

PreventionGenetics, part of Exact Sciences
Classification: Uncertain significance for FLNB-related condition. Last evaluated: 2026-05-21. Review status: criteria provided, single submitter. Criteria: ACMG Guidelines, 2015. Collection method: clinical testing. Allele origin: germline.
Comment: The FLNB c.6103A>G variant is predicted to result in the amino acid substitution p.Ile2035Val. To our knowledge, this variant has not been reported in the literature or in a large population database (gnomAD), indicating this variant is rare. At this time, the clinical significance of this variant is uncertain due to the absence of conclusive functional and genetic evidence.